The following is an entry in ClinVar:

ClinVar aggregate classification (germline): Uncertain significance. Review status: criteria provided, multiple submitters, no conflicts (2 of 4 stars). 2 submissions from 2 submitters: Uncertain significance (2). Last evaluated 2025-12-04.

Conditions:
Inborn genetic diseases. Identifiers: MedGen C0950123, MeSH D030342.

Allele frequency attached by ClinVar (database versions not stated): ExAC 0.00001; gnomAD 0.00001.
gnomAD v4.1: 11 of 1,614,042 alleles (0.00068%); highest among the groups gnomAD compares: African/African-American, 0.0053%; no homozygotes.

Submissions (2):

Ambry Genetics
Classification: Uncertain significance for Inborn genetic diseases. Last evaluated: 2025-12-04. Review status: criteria provided, single submitter. Criteria: Ambry Variant Classification Scheme 2023. Collection method: clinical testing. Allele origin: germline.

Labcorp Genetics (formerly Invitae), Labcorp
Classification: Uncertain significance. Last evaluated: 2022-07-04. Review status: criteria provided, single submitter. Criteria: Invitae Variant Classification Sherloc (09022015). Collection method: clinical testing. Allele origin: germline.
Comment: This sequence change replaces glycine, which is neutral and non-polar, with arginine, which is basic and polar, at codon 722 of the TRAPPC9 protein (p.Gly722Arg). This variant is present in population databases (rs772315237, gnomAD 0.004%). This variant has not been reported in the literature in individuals affected with TRAPPC9-related conditions. ClinVar contains an entry for this variant (Variation ID: 588911). Algorithms developed to predict the effect of missense changes on protein structure and function are either unavailable or do not agree on the potential impact of this missense change (SIFT: "Not Available"; PolyPhen-2: "Probably Damaging"; Align-GVGD: "Not Available"). In summary, the available evidence is currently insufficient to determine the role of this variant in disease. Therefore, it has been classified as a Variant of Uncertain Significance.

NM_001160372.4(TRAPPC9):c.1870G>A (p.Gly624Arg)

Gene: TRAPPC9 (trafficking protein particle complex subunit 9; minus strand). Cytogenetic location: 8q24.3.
Variant type: single nucleotide variant.
Coding change: c.1870G>A on transcript NM_001160372.4 (MANE Select); coding-DNA position 1870, G replaced by A.
Protein change: p.Gly624Arg; replaces glycine 624 with arginine.
Molecular consequence: missense variant. On other transcripts: non-coding transcript variant (1).
Genome position (GRCh38, 1-based): chr8:140,287,719, C>T on the plus strand (G>A on the coding strand, the complement: TRAPPC9 is on the minus strand). VCF-style: chr8-140287719-C-T. GRCh37 (hg19) VCF-style: chr8-141297818-C-T.
Other names: c.1843G>A, p.Gly615Arg (NM_001321646.2); c.1891G>A, p.Gly631Arg (NM_001374682.1); c.1870G>A, p.Gly624Arg (NM_001374683.1, NM_031466.8); c.1726G>A, p.Gly576Arg (NM_001374684.1); short protein forms G624R, G615R, G576R, G631R.
Identifiers: ClinVar variation 588911 (VCV000588911.9), dbSNP rs772315237, ClinGen allele CA4893285.